The following is an entry in ClinVar:

ClinVar aggregate classification (germline): Benign/Likely benign. Review status: criteria provided, multiple submitters, no conflicts (2 of 4 stars). 4 submissions from 4 submitters: Benign (2); Likely benign (2). Last evaluated 2026-02-04.

Allele frequency attached by ClinVar (database versions not stated): 1000 Genomes Project 0.02097; 1000 Genomes Project 30x 0.02108; gnomAD exomes 0.02186 and 0.02522; gnomAD 0.02406 and 0.02425; TOPMed 0.02497; ExAC 0.05307.
gnomAD v4.1: 31,631 of 1,261,164 alleles (2.5%); highest among the groups gnomAD compares: Middle Eastern, 5%; 451 homozygotes.

Submissions (4):

Labcorp Genetics (formerly Invitae), Labcorp
Classification: Benign. Last evaluated: 2026-02-04. Review status: criteria provided, single submitter. Criteria: Invitae Variant Classification Sherloc (09022015). Collection method: clinical testing. Allele origin: germline.

Mayo Clinic Laboratories, Mayo Clinic
Classification: Likely benign. Last evaluated: 2025-08-11. Review status: criteria provided, single submitter. Criteria: ACMG Guidelines, 2015. Collection method: clinical testing. Allele origin: germline. Observed: 4 variant alleles.
Comment: BS1, BP4

Eurofins Ntd Llc (ga)
Classification: Benign. Last evaluated: 2018-05-08. Review status: criteria provided, single submitter. Criteria: EGL ClinVar v180209 classification definitions. Collection method: clinical testing. Allele origin: germline. Observed: 19 variant alleles, 17 heterozygotes, 2 homozygotes.

Breakthrough Genomics
Classification: Likely benign. Review status: criteria provided, single submitter. Criteria: ACMG Guidelines, 2015. Collection method: not provided. Allele origin: germline. Inheritance: Autosomal recessive inheritance. Affected: yes.

NM_003839.4(TNFRSF11A):c.75+5G>A

Gene: TNFRSF11A (TNF receptor superfamily member 11a; plus strand). Cytogenetic location: 18q21.33.
Variant type: single nucleotide variant.
Coding change: c.75+5G>A on transcript NM_003839.4 (MANE Select); 5 bases into the intron after coding-DNA position 75, G replaced by A.
Molecular consequence: intron variant.
Genome position (GRCh38, 1-based): chr18:62,325,432, G>A. VCF-style: chr18-62325432-G-A. GRCh37 (hg19) VCF-style: chr18-59992665-G-A.
Other names: c.75+5G>A (NM_001270949.2, NM_001270950.2, NM_001270951.2 and 1 more transcripts).
Identifiers: ClinVar variation 193258 (VCV000193258.19), dbSNP rs146553439, ClinGen allele CA200448.